The following is an entry in ClinVar:

NM_138387.4(G6PC3):c.144C>A (p.Tyr48Ter)

Genes: G6PC3 (glucose-6-phosphatase catalytic subunit 3; plus strand), LOC130060959 (ATAC-STARR-seq lymphoblastoid active region 12250; plus strand). Cytogenetic location: 17q21.31.
Variant type: single nucleotide variant.
Coding change: c.144C>A on transcript NM_138387.4 (MANE Select); coding-DNA position 144, C replaced by A.
Protein change: p.Tyr48Ter; replaces tyrosine 48 with a stop codon.
Molecular consequence: nonsense. On other transcripts: 5 prime UTR variant (3), intron variant (1).
Genome position (GRCh38, 1-based): chr17:44,071,109, C>A. VCF-style: chr17-44071109-C-A. GRCh37 (hg19) VCF-style: chr17-42148477-C-A.
Other names: c.144C>A, p.Tyr48Ter (NM_001319945.2); c.-261C>A (NM_001384165.1); c.-396C>A (NM_001384166.1); c.-386C>A (NM_001384167.1); c.-312+395C>A (NM_001384168.1); short protein forms Y48*.
Identifiers: ClinVar variation 1705639 (VCV001705639.30), dbSNP rs1194477276, ClinGen allele CA399746113.

ClinVar aggregate classification (germline): Pathogenic. Review status: criteria provided, multiple submitters, no conflicts (2 of 4 stars). 2 submissions from 2 submitters: Pathogenic (2). Last evaluated 2022-10-01.

Conditions:
Autosomal recessive severe congenital neutropenia due to G6PC3 deficiency. Also called: NEUTROPENIA, SEVERE CONGENITAL, 4, AUTOSOMAL RECESSIVE; G6PC3 Deficiency. Identifiers: Orphanet 331176, MedGen C2751630, MONDO:0012930, OMIM 612541.

Submissions (2):

CeGaT Center for Human Genetics Tuebingen
Classification: Pathogenic. Last evaluated: 2022-10-01. Review status: criteria provided, single submitter. Criteria: CeGaT Center For Human Genetics Tuebingen Variant Classification Criteria Version 2. Collection method: clinical testing. Allele origin: germline. Affected: yes. Observed: 1 variant allele.
Comment: G6PC3: PVS1, PM2, PM3

3billion
Classification: Pathogenic for Autosomal recessive severe congenital neutropenia due to G6PC3 deficiency. Last evaluated: 2022-09-01. Review status: criteria provided, single submitter. Criteria: ACMG Guidelines, 2015. Collection method: clinical testing. Allele origin: germline. Affected: yes. Observed: 1 homozygote.
Comment: The variant is not observed in the gnomAD v2.1.1 dataset. Stop-gained (nonsense) is predicted to result in a loss or disruption of normal protein function through nonsense-mediated decay (NMD) or protein truncation. Multiple pathogenic variants are reported downstream of the variant. The variant has been reported to be associated with G6PC3-related disorder (PMID: 19118303). Therefore, this variant is classified as Pathogenic according to the recommendation of ACMG/AMP guideline.

Literature cited by the submitters: PubMed 19118303 (cited by 3billion).